The following is an entry in ClinVar:

ClinVar aggregate classification (germline): Benign/Likely benign. Review status: criteria provided, multiple submitters, no conflicts (2 of 4 stars). 6 submissions from 6 submitters: Benign (3); Likely benign (2). 1 of the submissions does not count toward it. Last evaluated 2026-01-26.

Conditions:
Kabuki syndrome. Also called: NIIKAWA-KUROKI SYNDROME; Kabuki make-up syndrome. Identifiers: Orphanet 2322, MedGen C0796004, MONDO:0016512.
KMT2D-related disorder. Also called: KMT2D-Related Disorders.

Allele frequency attached by ClinVar (database versions not stated): gnomAD exomes 0.00007 and 0.00022; ExAC 0.00021; ESP Exome Variant Server 0.00091; gnomAD 0.00091 and 0.00096; TOPMed 0.00101; 1000 Genomes Project 30x 0.00125; 1000 Genomes Project 0.00140.
gnomAD v4.1: 254 of 1,613,966 alleles (0.016%); highest among the groups gnomAD compares: African/African-American, 0.28%; no homozygotes.

Submissions (6):

Labcorp Genetics (formerly Invitae), Labcorp
Classification: Benign for Kabuki syndrome. Last evaluated: 2026-01-26. Review status: criteria provided, single submitter. Criteria: Invitae Variant Classification Sherloc (09022015). Collection method: clinical testing. Allele origin: germline.

Blueprint Genetics
Classification: Likely benign. Last evaluated: 2024-02-01. Review status: criteria provided, single submitter. Criteria: ACMG Guidelines, 2015. Collection method: clinical testing. Allele origin: germline.

CeGaT Center for Human Genetics Tuebingen
Classification: Likely benign. Last evaluated: 2022-12-01. Review status: criteria provided, single submitter. Criteria: CeGaT Center For Human Genetics Tuebingen Variant Classification Criteria Version 2. Collection method: clinical testing. Allele origin: germline. Affected: yes. Observed: 1 variant allele.
Comment: KMT2D: BP4, BP7, BS1

GeneDx
Classification: Benign. Last evaluated: 2019-07-25. Review status: criteria provided, single submitter. Criteria: GeneDx Variant Classification Process June 2021. Collection method: clinical testing. Allele origin: germline. Affected: yes.

Breakthrough Genomics
Classification: Benign. Review status: criteria provided, single submitter. Criteria: ACMG Guidelines, 2015. Collection method: not provided. Allele origin: germline. Inheritance: Autosomal dominant inheritance. Affected: yes.

PreventionGenetics, part of Exact Sciences
Classification: Likely benign for KMT2D-related condition. Last evaluated: 2019-09-13. Review status: no assertion criteria provided. Collection method: clinical testing. Allele origin: germline. Not counted in ClinVar's aggregate classification.
Comment: This variant is classified as likely benign based on ACMG/AMP sequence variant interpretation guidelines (Richards et al. 2015 PMID: 25741868, with internal and published modifications).

NM_003482.4(KMT2D):c.3666C>T (p.Gly1222=)

Genes: KMT2D (lysine methyltransferase 2D; minus strand), LOC126861520 (CDK7 strongly-dependent group 2 enhancer GRCh37_chr12:49442744-49443943; plus strand). Cytogenetic location: 12q13.12.
Variant type: single nucleotide variant.
Coding change: c.3666C>T on transcript NM_003482.4 (MANE Select); coding-DNA position 3666, C replaced by T.
Protein change: p.Gly1222=; no amino-acid change (glycine 1222 retained).
Molecular consequence: synonymous variant.
Genome position (GRCh38, 1-based): chr12:49,049,922, G>A on the plus strand (C>T on the coding strand, the complement: KMT2D is on the minus strand). VCF-style: chr12-49049922-G-A. GRCh37 (hg19) VCF-style: chr12-49443705-G-A.
Identifiers: ClinVar variation 772724 (VCV000772724.36), dbSNP rs138419124, ClinGen allele CA6548012.
Genomic context (GRCh38, chr12:49,049,922, plus strand): 5'-CAACTCCATGGACAGGGAGCCACCCCCCTCCGGGTCTGGAGAGCCCAGGAGGGGCTCTGA[G>A]CCAGGAAAACTGGCACTGGCATCACCCTGGCTCAGATTAGAGATCTCGTTAACGATGTCG-3'
Protein context (NP_003473.3, residues 1212-1232): SQGDASASFP[Gly1222=]SEPLLGSPDP